The following is an entry in ClinVar:

NM_004984.4(KIF5A):c.2360T>C (p.Val787Ala)

Gene: KIF5A (kinesin family member 5A; plus strand). Cytogenetic location: 12q13.3.
Variant type: single nucleotide variant.
Coding change: c.2360T>C on transcript NM_004984.4 (MANE Select); coding-DNA position 2360, T replaced by C.
Protein change: p.Val787Ala; replaces valine 787 with alanine.
Molecular consequence: missense variant.
Genome position (GRCh38, 1-based): chr12:57,577,772, T>C. VCF-style: chr12-57577772-T-C. GRCh37 (hg19) VCF-style: chr12-57971555-T-C.
Other names: c.2093T>C, p.Val698Ala (NM_001354705.2); short protein forms V787A, V698A.
Identifiers: ClinVar variation 1468429 (VCV001468429.8), dbSNP rs2140169303, ClinGen allele CA385512739.

ClinVar aggregate classification (germline): Uncertain significance (1 of 4 stars; one submission).

Conditions:
Spastic paraplegia. Identifiers: MedGen C0037772, HP:0001258.

Allele frequency attached by ClinVar (database versions not stated): gnomAD exomes below 0.00001.
gnomAD v4.1: 4 of 1,612,566 alleles (0.00025%); highest among the groups gnomAD compares: South Asian, 0.0022%; no homozygotes.

Submission:

Labcorp Genetics (formerly Invitae), Labcorp
Classification: Uncertain significance for Spastic paraplegia. Last evaluated: 2024-04-17. Review status: criteria provided, single submitter. Criteria: Invitae Variant Classification Sherloc (09022015). Collection method: clinical testing. Allele origin: germline.
Comment: This sequence change replaces valine, which is neutral and non-polar, with alanine, which is neutral and non-polar, at codon 787 of the KIF5A protein (p.Val787Ala). This variant is not present in population databases (gnomAD no frequency). This variant has not been reported in the literature in individuals affected with KIF5A-related conditions. ClinVar contains an entry for this variant (Variation ID: 1468429). An algorithm developed to predict the effect of missense changes on protein structure and function (PolyPhen-2) suggests that this variant is likely to be disruptive. In summary, the available evidence is currently insufficient to determine the role of this variant in disease. Therefore, it has been classified as a Variant of Uncertain Significance.